The following is an entry in ClinVar:

NM_000179.3(MSH6):c.1951_1952dup (p.Gly652fs)

Gene: MSH6 (mutS homolog 6; plus strand). Cytogenetic location: 2p16.3.
Variant type: Duplication.
Coding change: c.1951_1952dup on transcript NM_000179.3 (MANE Select); coding-DNA positions 1951 to 1952, 2 bases duplicated (AT; older notation c.1951_1952dupAT).
Protein change: p.Gly652fs; shifts the reading frame from glycine 652.
Molecular consequence: frameshift variant.
Genome position (GRCh38, 1-based): chr2:47,799,934-47,799,935, AT duplicated. VCF-style (leftmost placement, unchanged base first): chr2-47799933-C-CAT. GRCh37 (hg19) VCF-style: chr2-48027072-C-CAT.
Other names: c.1561_1562dup, p.Gly522fs (NM_001281492.2); c.1045_1046dup, p.Gly350fs (NM_001281493.2, NM_001281494.2); short protein forms G350fs, G522fs, G652fs.
Identifiers: ClinVar variation 1320038 (VCV001320038.2), dbSNP rs2104378465, ClinGen allele CA2573051968.
Genomic context (GRCh38, chr2:47,799,933, plus strand): 5'-ATCCAAAACTTTGAGAACTCTCCTTGAGGAAGAATATTTTAGGGAAAAGCTAAGTGATGG[C>CAT]ATTGGGGTGATGTTACCCCAGGTGCTTAAAGGTATGACTTCAGAGTCTGATTCCATTGGG-3'

ClinVar aggregate classification (germline): Likely pathogenic (0 of 4 stars; one submission).

Conditions:
Endometrial carcinoma. Also called: Endometrial carcinoma, somatic. Identifiers: MedGen C0476089, MONDO:0002447, OMIM 608089, HP:0012114.
Lynch syndrome 5 (LYNCH5). Also called: Colorectal cancer, hereditary nonpolyposis, type 5; Hereditary non-polyposis colorectal cancer, type 5. Identifiers: Orphanet 144, MedGen C1833477, MONDO:0013710, OMIM 614350. Disease mechanism: loss of function.

Submission:

MVZ Praenatalmedizin und Genetik Nuernberg
Classification: Likely pathogenic for Lynch syndrome 5; Endometrial carcinoma. Last evaluated: 2021-02-28. Review status: no assertion criteria provided. Collection method: clinical testing. Allele origin: germline. Inheritance: Autosomal dominant inheritance. Affected: yes. Observed: 1 heterozygote.
Comment: This variant was not listed in the databases (ClinVar, LOVD). GnomAD shows no entry for this variant (very rare or private variant). This out-of-frame-insertion in exon 4 of MSH6 results in a premature stop-codon. Thus, we expect a loss of function. Accordingly, ClinVar lists several nonsense mutations further downstream (e.g. p.Tyr977Ter) with pathogenic classification (expert panel). We therefore classify this variant as likely-pathogenic.